The following is an entry in ClinVar:

NM_002335.4(LRP5):c.1117C>T (p.Arg373Trp)

Gene: LRP5 (LDL receptor related protein 5; plus strand). Cytogenetic location: 11q13.2.
Variant type: single nucleotide variant.
Coding change: c.1117C>T on transcript NM_002335.4 (MANE Select); coding-DNA position 1117, C replaced by T.
Protein change: p.Arg373Trp; replaces arginine 373 with tryptophan.
Molecular consequence: missense variant. On other transcripts: 5 prime UTR variant (1).
Genome position (GRCh38, 1-based): chr11:68,386,417, C>T. VCF-style: chr11-68386417-C-T. GRCh37 (hg19) VCF-style: chr11-68153885-C-T.
Other names: c.-649C>T (NM_001291902.2); c.1117C>T (NM_002335.2); short protein forms R373W.
Identifiers: ClinVar variation 1477503 (VCV001477503.9), dbSNP rs751683687, ClinGen allele CA6149251.

ClinVar aggregate classification (germline): Uncertain significance. Review status: criteria provided, multiple submitters, no conflicts (2 of 4 stars). 4 submissions from 4 submitters: Uncertain significance (4). Last evaluated 2026-01-04.

Conditions:
Autosomal dominant osteopetrosis 1 (OPTA1). Also called: OSTEOPETROSIS, AUTOSOMAL DOMINANT, TYPE I. Identifiers: Orphanet 2783, MedGen C1843330, MONDO:0011877, OMIM 607634.
Osteoporosis with pseudoglioma (OPPG). Also called: osteoporosis-pseudoglioma syndrome. Identifiers: Orphanet 2788, MedGen C0432252, MONDO:0009820, OMIM 259770.
Bone mineral density quantitative trait locus 1 (BMND1). Identifiers: MedGen C1866079, OMIM 601884.
Exudative vitreoretinopathy 4 (EVR4). Identifiers: Orphanet 891, MedGen C1866176, MONDO:0011151, OMIM 601813.
Worth disease. Also called: OSTEOSCLEROSIS, AUTOSOMAL DOMINANT; Autosomal dominant osteosclerosis, Worth type; ENDOSTEAL HYPEROSTOSIS, AUTOSOMAL DOMINANT. Identifiers: Orphanet 2790, MedGen C0432273, MONDO:0007764, OMIM 144750.
Polycystic liver disease 4 with or without kidney cysts. Identifiers: MedGen C4693479, MONDO:0044327, OMIM 617875.
Inborn genetic diseases. Identifiers: MedGen C0950123, MeSH D030342.

Allele frequency attached by ClinVar (database versions not stated): ExAC 0.00001; gnomAD exomes 0.00001; TOPMed 0.00001; gnomAD 0.00002 and 0.00003.
gnomAD v4.1: 13 of 1,614,042 alleles (0.00081%); highest among the groups gnomAD compares: East Asian, 0.0067%; no homozygotes.

Submissions (4):

Labcorp Genetics (formerly Invitae), Labcorp
Classification: Uncertain significance. Last evaluated: 2026-01-04. Review status: criteria provided, single submitter. Criteria: Invitae Variant Classification Sherloc (09022015). Collection method: clinical testing. Allele origin: germline.
Comment: This sequence change replaces arginine, which is basic and polar, with tryptophan, which is neutral and slightly polar, at codon 373 of the LRP5 protein (p.Arg373Trp). This variant is present in population databases (rs751683687, gnomAD 0.002%). This variant has not been reported in the literature in individuals affected with LRP5-related conditions. ClinVar contains an entry for this variant (Variation ID: 1477503). Invitae Evidence Modeling of protein sequence and biophysical properties (such as structural, functional, and spatial information, amino acid conservation, physicochemical variation, residue mobility, and thermodynamic stability) has been performed for this missense variant. However, the output from this modeling did not meet the statistical confidence thresholds required to predict the impact of this variant on LRP5 protein function. In summary, the available evidence is currently insufficient to determine the role of this variant in disease. Therefore, it has been classified as a Variant of Uncertain Significance.

Ambry Genetics
Classification: Uncertain significance for Inborn genetic diseases. Last evaluated: 2025-04-13. Review status: criteria provided, single submitter. Criteria: Ambry Variant Classification Scheme 2023. Collection method: clinical testing. Allele origin: germline.

Fulgent Genetics
Classification: Uncertain significance for Worth disease; Osteoporosis with pseudoglioma; Exudative vitreoretinopathy 4; Bone mineral density quantitative trait locus 1; Autosomal dominant osteopetrosis 1; Polycystic liver disease 4 with or without kidney cysts. Last evaluated: 2024-04-12. Review status: criteria provided, single submitter. Criteria: ACMG Guidelines, 2015. Collection method: clinical testing. Allele origin: germline.

Blueprint Genetics
Classification: Uncertain significance. Last evaluated: 2019-10-29. Review status: criteria provided, single submitter. Criteria: ACMG Guidelines, 2015. Collection method: clinical testing. Allele origin: germline.